The following is an entry in ClinVar:

NM_001330360.2(POLA1):c.919C>G (p.Leu307Val)

Gene: POLA1 (DNA polymerase alpha 1, catalytic subunit; plus strand). Cytogenetic location: Xp22.11.
Variant type: single nucleotide variant.
Coding change: c.919C>G on transcript NM_001330360.2 (MANE Select); coding-DNA position 919, C replaced by G.
Protein change: p.Leu307Val; replaces leucine 307 with valine.
Molecular consequence: missense variant. On other transcripts: non-coding transcript variant (2).
Genome position (GRCh38, 1-based): chrX:24,717,590, C>G. VCF-style: chrX-24717590-C-G. GRCh37 (hg19) VCF-style: chrX-24735707-C-G.
Other names: c.919C>G, p.Leu307Val (NM_001378303.1, NM_001440806.1); c.901C>G, p.Leu301Val (NM_016937.4); short protein forms L301V, L307V.
Identifiers: ClinVar variation 4805900 (VCV004805900.1).

ClinVar aggregate classification (germline): Uncertain significance (1 of 4 stars; one submission).

gnomAD v4.1: 10 of 1,208,772 alleles (0.00083%); highest among the groups gnomAD compares: Non-Finnish European, 0.0011%; no homozygotes.

Submission:

Labcorp Genetics (formerly Invitae), Labcorp
Classification: Uncertain significance. Last evaluated: 2025-08-09. Review status: criteria provided, single submitter. Criteria: Invitae Variant Classification Sherloc (09022015). Collection method: clinical testing. Allele origin: germline.
Comment: This sequence change replaces leucine, which is neutral and non-polar, with valine, which is neutral and non-polar, at codon 301 of the POLA1 protein (p.Leu301Val). This variant is present in population databases (rs758251012, gnomAD 0.003%). This variant has not been reported in the literature in individuals affected with POLA1-related conditions. Invitae Evidence Modeling of protein sequence and biophysical properties (such as structural, functional, and spatial information, amino acid conservation, physicochemical variation, residue mobility, and thermodynamic stability) indicates that this missense variant is not expected to disrupt POLA1 protein function with a negative predictive value of 80%. In summary, the available evidence is currently insufficient to determine the role of this variant in disease. Therefore, it has been classified as a Variant of Uncertain Significance.